The following is an entry in ClinVar:

NM_001953.5(TYMP):c.1071C>T (p.Ala357=)

Genes: SCO2 (synthesis of cytochrome C oxidase 2; minus strand), TYMP (thymidine phosphorylase; minus strand), LOC130067862 (ATAC-STARR-seq lymphoblastoid silent region 13986; plus strand). Cytogenetic location: 22q13.33.
Variant type: single nucleotide variant.
Coding change: c.1071C>T on transcript NM_001953.5 (MANE Select); coding-DNA position 1071, C replaced by T.
Protein change: p.Ala357=; no amino-acid change (alanine 357 retained).
Molecular consequence: synonymous variant. On other transcripts: 5 prime UTR variant (1).
Genome position (GRCh38, 1-based): chr22:50,526,334, G>A on the plus strand (C>T on the coding strand, the complement: TYMP is on the minus strand). VCF-style: chr22-50526334-G-A. GRCh37 (hg19) VCF-style: chr22-50964763-G-A.
Other names: c.1071C>T, p.Ala357= (NM_001113755.3, NM_001113756.3, NM_001257988.1 and 1 more transcripts); c.-102C>T (NM_001169109.2).
Identifiers: ClinVar variation 378841 (VCV000378841.36), dbSNP rs772042113, ClinGen allele CA10321494.
Genomic context (GRCh38, chr22:50,526,334, plus strand): 5'-CTCCCGGGCGCGAGGCAGCAGCTGCCGGCGTTCTGCGGGACTTCCCGAGCACAGGGCTCG[G>A]GCCAGACCGGGATCCACGCCCTGCGCCGCCAGCATCCGCTCGAAGCGGCCAAGGGCCGAG-3'
Protein context (NP_001944.1, residues 347-367): LAAQGVDPGL[Ala357=]RALCSGSPAE

ClinVar aggregate classification (germline): Benign/Likely benign. Review status: criteria provided, multiple submitters, no conflicts (2 of 4 stars). 5 submissions from 5 submitters: Benign (1); Likely benign (4). Last evaluated 2026-01-19.

Allele frequency attached by ClinVar (database versions not stated): gnomAD exomes 0.00012 and 0.00018; gnomAD 0.00010 and 0.00015; TOPMed 0.00011; ExAC 0.00042.
gnomAD v4.1: 191 of 1,561,244 alleles (0.012%); highest among the groups gnomAD compares: Middle Eastern, 0.19%; no homozygotes.

Submissions (5):

Labcorp Genetics (formerly Invitae), Labcorp
Classification: Likely benign. Last evaluated: 2026-01-19. Review status: criteria provided, single submitter. Criteria: Invitae Variant Classification Sherloc (09022015). Collection method: clinical testing. Allele origin: germline.

Blueprint Genetics
Classification: Likely benign. Last evaluated: 2024-10-23. Review status: criteria provided, single submitter. Criteria: ACMG Guidelines, 2015. Collection method: clinical testing. Allele origin: germline.

CeGaT Center for Human Genetics Tuebingen
Classification: Likely benign. Last evaluated: 2023-10-01. Review status: criteria provided, single submitter. Criteria: CeGaT Center For Human Genetics Tuebingen Variant Classification Criteria Version 2. Collection method: clinical testing. Allele origin: germline. Affected: yes. Observed: 1 variant allele.
Comment: TYMP: BP4, BP7

GeneDx
Classification: Benign. Last evaluated: 2015-09-14. Review status: criteria provided, single submitter. Criteria: GeneDx Variant Classification (06012015). Collection method: clinical testing. Allele origin: germline. Affected: yes.
Comment: This variant is considered likely benign or benign based on one or more of the following criteria: it is a conservative change, it occurs at a poorly conserved position in the protein, it is predicted to be benign by multiple in silico algorithms, and/or has population frequency not consistent with disease.

Breakthrough Genomics
Classification: Likely benign. Review status: criteria provided, single submitter. Criteria: ACMG Guidelines, 2015. Collection method: not provided. Allele origin: germline. Inheritance: Autosomal recessive inheritance. Affected: yes.